The following is an entry in ClinVar:

ClinVar aggregate classification (germline): Uncertain significance (1 of 4 stars; one submission).

Conditions:
Charcot-Marie-Tooth disease axonal type 2O. Also called: CHARCOT-MARIE-TOOTH NEUROPATHY, AXONAL, TYPE 2O; CHARCOT-MARIE-TOOTH DISEASE, AXONAL, AUTOSOMAL DOMINANT, TYPE 2O; Charcot-Marie-Tooth Neuropathy Type 2O; Charcot-Marie-Tooth disease, axonal, type 20. Identifiers: Orphanet 284232, MedGen C3280220, MONDO:0013644, OMIM 614228.

Allele frequency attached by ClinVar (database versions not stated): ExAC 0.00001; gnomAD 0.00001; 1000 Genomes Project 30x 0.00016; 1000 Genomes Project 0.00020.
gnomAD v4.1: 3 of 1,613,494 alleles (0.00019%); highest among the groups gnomAD compares: Admixed American, 0.0017%; no homozygotes.

Submission:

Labcorp Genetics (formerly Invitae), Labcorp
Classification: Uncertain significance for Charcot-Marie-Tooth disease axonal type 2O. Last evaluated: 2023-02-13. Review status: criteria provided, single submitter. Criteria: Invitae Variant Classification Sherloc (09022015). Collection method: clinical testing. Allele origin: germline.
Comment: In summary, the available evidence is currently insufficient to determine the role of this variant in disease. Therefore, it has been classified as a Variant of Uncertain Significance. Advanced modeling of protein sequence and biophysical properties (such as structural, functional, and spatial information, amino acid conservation, physicochemical variation, residue mobility, and thermodynamic stability) performed at Invitae indicates that this missense variant is expected to disrupt DYNC1H1 protein function. This variant has not been reported in the literature in individuals affected with DYNC1H1-related conditions. This variant is present in population databases (rs557305014, gnomAD 0.003%). This sequence change replaces histidine, which is basic and polar, with tyrosine, which is neutral and polar, at codon 2476 of the DYNC1H1 protein (p.His2476Tyr).

NM_001376.5(DYNC1H1):c.7426C>T (p.His2476Tyr)

Gene: DYNC1H1 (dynein cytoplasmic 1 heavy chain 1; plus strand). Cytogenetic location: 14q32.31.
Variant type: single nucleotide variant.
Coding change: c.7426C>T on transcript NM_001376.5 (MANE Select); coding-DNA position 7426, C replaced by T.
Protein change: p.His2476Tyr; replaces histidine 2476 with tyrosine.
Molecular consequence: missense variant.
Genome position (GRCh38, 1-based): chr14:102,016,039, C>T. VCF-style: chr14-102016039-C-T. GRCh37 (hg19) VCF-style: chr14-102482376-C-T.
Other names: short protein forms H2476Y.
Identifiers: ClinVar variation 2914184 (VCV002914184.3), dbSNP rs557305014, ClinGen allele CA7352811.